The following is an entry in ClinVar:

ClinVar aggregate classification (germline): Uncertain significance. Review status: criteria provided, multiple submitters, no conflicts (2 of 4 stars). 2 submissions from 2 submitters: Uncertain significance (2). Last evaluated 2025-12-15.

Conditions:
Dermatofibrosis lenticularis disseminata (BOS). Also called: DERMATOFIBROSIS LENTICULARIS DISSEMINATA WITH OSTEOPOIKILOSIS; DERMATOOSTEOPOIKILOSIS; OSTEOPATHIA CONDENSANS DISSEMINATA. Identifiers: Orphanet 1306, MedGen C0265514, MONDO:0008157, OMIM 166700.

Submissions (2):

Labcorp Genetics (formerly Invitae), Labcorp
Classification: Uncertain significance. Last evaluated: 2025-12-15. Review status: criteria provided, single submitter. Criteria: Invitae Variant Classification Sherloc (09022015). Collection method: clinical testing. Allele origin: germline.
Comment: This sequence change replaces leucine, which is neutral and non-polar, with phenylalanine, which is neutral and non-polar, at codon 21 of the LEMD3 protein (p.Leu21Phe). This variant is present in population databases (rs529619321, gnomAD 0.05%), and has an allele count higher than expected for a pathogenic variant. This variant has not been reported in the literature in individuals affected with LEMD3-related conditions. ClinVar contains an entry for this variant (Variation ID: 3731478). Invitae Evidence Modeling of protein sequence and biophysical properties (such as structural, functional, and spatial information, amino acid conservation, physicochemical variation, residue mobility, and thermodynamic stability) indicates that this missense variant is expected to disrupt LEMD3 protein function with a positive predictive value of 80%. In summary, the available evidence is currently insufficient to determine the role of this variant in disease. Therefore, it has been classified as a Variant of Uncertain Significance.

Neuberg Centre For Genomic Medicine, NCGM
Classification: Uncertain significance for Dermatofibrosis lenticularis disseminata. Review status: criteria provided, single submitter. Criteria: ACMG Guidelines, 2015. Collection method: clinical testing. Allele origin: germline. Inheritance: Autosomal dominant inheritance. Affected: yes.
Comment: The missense c.61C>T (p.Leu21Phe) variant in LEMD3 gene has not been reported previously as a pathogenic variant nor as a benign variant, to our knowledge. The p.Leu21Phe variant is present with allele frequency of 0.007% in gnomAD Exomes. This variant has not been submitted to the ClinVar database. Multiple lines of computational evidence (Polyphen - Probably Damaging, SIFT - Damaging and MutationTaster - Disease causing) predict a damaging effect on protein structure and function for this variant. The reference amino acid at this position on LEMD3 is predicted as conserved by GERP++ and PhyloP across 100 vertebrates. The amino acid Leu at position 21 is changed to a Phe changing protein sequence and it might alter its composition and physico-chemical properties. For these reasons, this variant has been classified as a Variant of Uncertain Significance (VUS).

NM_014319.5(LEMD3):c.61C>T (p.Leu21Phe)

Gene: LEMD3 (LEM domain containing 3; plus strand). Cytogenetic location: 12q14.3.
Variant type: single nucleotide variant.
Coding change: c.61C>T on transcript NM_014319.5 (MANE Select); coding-DNA position 61, C replaced by T.
Protein change: p.Leu21Phe; replaces leucine 21 with phenylalanine.
Molecular consequence: missense variant.
Genome position (GRCh38, 1-based): chr12:65,169,657, C>T. VCF-style: chr12-65169657-C-T. GRCh37 (hg19) VCF-style: chr12-65563437-C-T.
Other names: c.61C>T, p.Leu21Phe (NM_001167614.2); short protein forms L21F.
Identifiers: ClinVar variation 3731478 (VCV003731478.2).
Genomic context (GRCh38, chr12:65,169,657, plus strand): 5'-ATGGCGGCGGCAGCAGCTTCGGCGCCTCAGCAGCTCTCGGATGAGGAGCTTTTCTCTCAG[C>T]TCCGCCGTTACGGCCTGTCTCCCGGACCAGTGACGGAGAGCACCCGCCCGGTCTACCTCA-3'
Protein context (NP_055134.2, residues 11-31): QLSDEELFSQ[Leu21Phe]RRYGLSPGPV